The following is an entry in ClinVar:

ClinVar aggregate classification (germline): Uncertain significance. Review status: criteria provided, multiple submitters, no conflicts (2 of 4 stars). 2 submissions from 2 submitters: Uncertain significance (2). Last evaluated 2025-06-10.

Conditions:
Joubert syndrome. Also called: CEREBELLOPARENCHYMAL DISORDER IV; JOUBERT-BOLTSHAUSER SYNDROME; Familial aplasia of the vermis. Identifiers: Orphanet 475, MedGen C5979921, MONDO:0018772.
Orofaciodigital syndrome I (OFD1). Also called: OFDS I; Papillon-Leage and Psaume Syndrome; Oral-Facial-Digital Syndrome Type I. Identifiers: Orphanet 2750, MedGen C1510460, MONDO:0010702, OMIM 311200.

Allele frequency attached by ClinVar (database versions not stated): gnomAD exomes below 0.00001; TOPMed below 0.00001.
gnomAD v4.1: 2 of 1,191,549 alleles (0.00017%); highest among the groups gnomAD compares: Admixed American, 0.0043%; no homozygotes.

Submissions (2):

GeneDx
Classification: Uncertain significance. Last evaluated: 2025-06-10. Review status: criteria provided, single submitter. Criteria: GeneDx Variant Classification Process June 2021. Collection method: clinical testing. Allele origin: germline. Affected: yes.
Comment: In silico analysis suggests that this missense variant does not alter protein structure/function; Identified in an individual with focal and segmental glomerulosclerosis who underwent whole exome sequencing (PMID: 31308072); This variant is associated with the following publications: (PMID: 31308072)

Labcorp Genetics (formerly Invitae), Labcorp
Classification: Uncertain significance for Orofaciodigital syndrome I; Joubert syndrome. Last evaluated: 2024-12-31. Review status: criteria provided, single submitter. Criteria: Invitae Variant Classification Sherloc (09022015). Collection method: clinical testing. Allele origin: germline.
Comment: This sequence change replaces glycine, which is neutral and non-polar, with alanine, which is neutral and non-polar, at codon 1002 of the OFD1 protein (p.Gly1002Ala). This variant is present in population databases (no rsID available, gnomAD 0.004%). This variant has not been reported in the literature in individuals affected with OFD1-related conditions. ClinVar contains an entry for this variant (Variation ID: 1704716). An algorithm developed to predict the effect of missense changes on protein structure and function outputs the following: PolyPhen-2: "Possibly Damaging". The alanine amino acid residue is found in multiple mammalian species, which suggests that this missense change does not adversely affect protein function. In summary, the available evidence is currently insufficient to determine the role of this variant in disease. Therefore, it has been classified as a Variant of Uncertain Significance.

NM_003611.3(OFD1):c.3005G>C (p.Gly1002Ala)

Gene: OFD1 (OFD1 centriole and centriolar satellite protein; plus strand). Cytogenetic location: Xp22.2.
Variant type: single nucleotide variant.
Coding change: c.3005G>C on transcript NM_003611.3 (MANE Select); coding-DNA position 3005, G replaced by C.
Protein change: p.Gly1002Ala; replaces glycine 1002 with alanine.
Molecular consequence: missense variant.
Genome position (GRCh38, 1-based): chrX:13,769,074, G>C. VCF-style: chrX-13769074-G-C. GRCh37 (hg19) VCF-style: chrX-13787193-G-C.
Other names: c.2885G>C, p.Gly962Ala (NM_001330209.2); c.2585G>C, p.Gly862Ala (NM_001330210.2); short protein forms G1002A, G862A, G962A.
Identifiers: ClinVar variation 1704716 (VCV001704716.6), dbSNP rs1036186931, ClinGen allele CA326115732.